The following is an entry in ClinVar:

ClinVar aggregate classification (germline): Likely benign. Review status: criteria provided, multiple submitters, no conflicts (2 of 4 stars). 2 submissions from 2 submitters: Likely benign (2). Last evaluated 2025-12-19.

Conditions:
Peroxisome biogenesis disorder. Identifiers: Orphanet 79189, MedGen C1832200, MONDO:0019234. Disease mechanism: loss of function.
PEX16-related disorder. Also called: PEX16-related condition.

Allele frequency attached by ClinVar (database versions not stated): gnomAD exomes 0.00002; gnomAD 0.00005; ExAC 0.00007; TOPMed 0.00007; 1000 Genomes Project 30x 0.00016; 1000 Genomes Project 0.00020.

Submissions (2):

Labcorp Genetics (formerly Invitae), Labcorp
Classification: Likely benign for Peroxisome biogenesis disorder. Last evaluated: 2025-12-19. Review status: criteria provided, single submitter. Criteria: Invitae Variant Classification Sherloc (09022015). Collection method: clinical testing. Allele origin: germline.

PreventionGenetics, part of Exact Sciences
Classification: Likely benign for PEX16-related condition. Last evaluated: 2024-11-14. Review status: criteria provided, single submitter. Criteria: ACMG Guidelines, 2015. Collection method: clinical testing. Allele origin: germline.
Comment: This variant is classified as likely benign based on ACMG/AMP sequence variant interpretation guidelines (Richards et al. 2015 PMID: 25741868, with internal and published modifications).

NM_004813.4(PEX16):c.149-7C>T

Gene: PEX16 (peroxisomal biogenesis factor 16; minus strand). Cytogenetic location: 11p11.2.
Variant type: single nucleotide variant.
Coding change: c.149-7C>T on transcript NM_004813.4 (MANE Select); 7 bases into the intron before coding-DNA position 149, C replaced by T.
Molecular consequence: intron variant.
Genome position (GRCh38, 1-based): chr11:45,916,310, G>A on the plus strand (C>T on the coding strand, the complement: PEX16 is on the minus strand). VCF-style: chr11-45916310-G-A. GRCh37 (hg19) VCF-style: chr11-45937861-G-A.
Other names: c.149-7C>T (NM_057174.3, NM_004813.2).
Identifiers: ClinVar variation 2186947 (VCV002186947.5), dbSNP rs201229663, ClinGen allele CA5960078.